The following is an entry in ClinVar:

NM_000218.3(KCNQ1):c.781-117G>A

Gene: KCNQ1 (potassium voltage-gated channel subfamily Q member 1; plus strand). Cytogenetic location: 11p15.5.
Variant type: single nucleotide variant.
Coding change: c.781-117G>A on transcript NM_000218.3 (MANE Select); 117 bases into the intron before coding-DNA position 781, G replaced by A.
Molecular consequence: intron variant.
Genome position (GRCh38, 1-based): chr11:2,572,729, G>A. VCF-style: chr11-2572729-G-A. GRCh37 (hg19) VCF-style: chr11-2593959-G-A.
Other names: c.511-117G>A (NM_001406837.1); c.781-117G>A (NM_001406836.1); c.478-10706G>A (NM_001406838.1); c.400-117G>A (NM_181798.2).
Identifiers: ClinVar variation 673853 (VCV000673853.4), dbSNP rs41282926, ClinGen allele CA216312348.

ClinVar aggregate classification (germline): Likely benign. Review status: criteria provided, multiple submitters, no conflicts (2 of 4 stars). 2 submissions from 2 submitters: Likely benign (2). Last evaluated 2018-06-14.

Allele frequency attached by ClinVar (database versions not stated): 1000 Genomes Project 0.00919; 1000 Genomes Project 30x 0.00953; TOPMed 0.01766; gnomAD 0.01849 and 0.01910; gnomAD exomes 0.02366.
gnomAD v4.1: 31,369 of 1,361,398 alleles (2.3%); highest among the groups gnomAD compares: Non-Finnish European, 2.7%; 446 homozygotes.

Submissions (2):

GeneDx
Classification: Likely benign. Last evaluated: 2018-06-14. Review status: criteria provided, single submitter. Criteria: GeneDx Variant Classification (06012015). Collection method: clinical testing. Allele origin: germline. Affected: yes.
Comment: This variant is considered likely benign or benign based on one or more of the following criteria: it is a conservative change, it occurs at a poorly conserved position in the protein, it is predicted to be benign by multiple in silico algorithms, and/or has population frequency not consistent with disease.

Breakthrough Genomics
Classification: Likely benign. Review status: criteria provided, single submitter. Criteria: ACMG Guidelines, 2015. Collection method: not provided. Allele origin: germline. Inheritance: Autosomal recessive inheritance. Affected: yes.